The following is an entry in ClinVar:

ClinVar aggregate classification (germline): Uncertain significance (1 of 4 stars; one submission).

Conditions:
Hereditary cancer-predisposing syndrome. Also called: Neoplastic Syndromes, Hereditary; Tumor predisposition; Hereditary Cancer Syndrome; Hereditary neoplastic syndrome. Identifiers: Orphanet 140162, MedGen C0027672, MeSH D009386, MONDO:0015356.

gnomAD v4.1: 1 of 1,614,232 alleles (0.000062%); highest among the groups gnomAD compares: Non-Finnish European, 0.000085%; no homozygotes.

Submission:

Ambry Genetics
Classification: Uncertain significance for Hereditary cancer-predisposing syndrome. Last evaluated: 2024-10-18. Review status: criteria provided, single submitter. Criteria: Ambry Variant Classification Scheme 2023. Collection method: clinical testing. Allele origin: germline.
Comment: The p.S608R variant (also known as c.1824T>G), located in coding exon 5 of the PALB2 gene, results from a T to G substitution at nucleotide position 1824. The serine at codon 608 is replaced by arginine, an amino acid with dissimilar properties. This amino acid position is poorly conserved in available vertebrate species. In addition, this alteration is predicted to be tolerated by in silico analysis. Based on the available evidence, the clinical significance of this variant remains unclear.

NM_024675.4(PALB2):c.1824T>G (p.Ser608Arg)

Gene: PALB2 (partner and localizer of BRCA2; minus strand). Cytogenetic location: 16p12.2.
Variant type: single nucleotide variant.
Coding change: c.1824T>G on transcript NM_024675.4 (MANE Select); coding-DNA position 1824, T replaced by G.
Protein change: p.Ser608Arg; replaces serine 608 with arginine.
Molecular consequence: missense variant. On other transcripts: intron variant (1).
Genome position (GRCh38, 1-based): chr16:23,630,330, A>C on the plus strand (T>G on the coding strand, the complement: PALB2 is on the minus strand). VCF-style: chr16-23630330-A-C. GRCh37 (hg19) VCF-style: chr16-23641651-A-C.
Other names: c.1764T>G, p.Ser588Arg (NM_001407296.1); c.1824T>G, p.Ser608Arg (NM_001407297.1, NM_001407298.1, NM_001407299.1 and 3 more transcripts); c.939T>G, p.Ser313Arg (NM_001407304.1, NM_001407305.1, NM_001407306.1 and 5 more transcripts); c.36T>G, p.Ser12Arg (NM_001407312.1, NM_001407313.1); c.49-1055T>G (NM_001407314.1); short protein forms S608R, S588R, S12R, S313R.
Identifiers: ClinVar variation 3413476 (VCV003413476.1).